The following is an entry in ClinVar:

ClinVar aggregate classification (germline): Uncertain significance (1 of 4 stars; one submission).

Conditions:
Familial adenomatous polyposis 1 (FAP1). Also called: FAMILIAL ADENOMATOUS POLYPOSIS 1, ATTENUATED; POLYPOSIS, ADENOMATOUS INTESTINAL. Identifiers: MedGen C2713442, MONDO:0021056, OMIM 175100. Disease mechanism: loss of function.

Submission:

Labcorp Genetics (formerly Invitae), Labcorp
Classification: Uncertain significance for Familial adenomatous polyposis 1. Last evaluated: 2025-03-26. Review status: criteria provided, single submitter. Criteria: Invitae Variant Classification Sherloc (09022015). Collection method: clinical testing. Allele origin: germline.
Comment: This variant occurs in a non-coding region of the APC gene. It does not change the encoded amino acid sequence of the APC protein. This variant is not present in population databases (gnomAD no frequency). This variant has not been reported in the literature in individuals affected with APC-related conditions. Experimental studies and prediction algorithms are not available or were not evaluated, and the functional significance of this variant is currently unknown. In summary, the available evidence is currently insufficient to determine the role of this variant in disease. Therefore, it has been classified as a Variant of Uncertain Significance.

NC_000005.10:g.112707474G>C

Gene: APC (APC regulator of Wnt signaling pathway; plus strand). Cytogenetic location: 5q22.2.
Variant type: single nucleotide variant.
Genome position: GRCh38 VCF-style: chr5-112707474-G-C. GRCh37 (hg19) VCF-style: chr5-112043171-G-C.
Identifiers: ClinVar variation 4778433 (VCV004778433.1).